The following is an entry in ClinVar:

NM_014915.3(ANKRD26):c.626A>G (p.Asp209Gly)

Gene: ANKRD26 (ankyrin repeat domain containing 26; minus strand). Cytogenetic location: 10p12.1.
Variant type: single nucleotide variant.
Coding change: c.626A>G on transcript NM_014915.3 (MANE Select); coding-DNA position 626, A replaced by G.
Protein change: p.Asp209Gly; replaces aspartic acid 209 with glycine.
Molecular consequence: missense variant.
Genome position (GRCh38, 1-based): chr10:27,092,418, T>C on the plus strand (A>G on the coding strand, the complement: ANKRD26 is on the minus strand). VCF-style: chr10-27092418-T-C. GRCh37 (hg19) VCF-style: chr10-27381347-T-C.
Other names: c.626A>G, p.Asp209Gly (NM_001256053.2); short protein forms D209G.
Identifiers: ClinVar variation 3371945 (VCV003371945.1).

ClinVar aggregate classification (germline): Uncertain significance (1 of 4 stars; one submission).

gnomAD v4.1: 1 of 1,609,004 alleles (0.000062%); highest among the groups gnomAD compares: South Asian, 0.0011%; no homozygotes.

Submission:

GeneDx
Classification: Uncertain significance. Last evaluated: 2024-04-01. Review status: criteria provided, single submitter. Criteria: GeneDx Variant Classification Process June 2021. Collection method: clinical testing. Allele origin: germline. Affected: yes.
Comment: Not observed at significant frequency in large population cohorts (gnomAD); In silico analysis supports that this missense variant has a deleterious effect on protein structure/function; In silico analysis supports a deleterious effect on splicing; Has not been previously published as pathogenic or benign to our knowledge